The following is an entry in ClinVar:

ClinVar aggregate classification (germline): Uncertain significance (1 of 4 stars; one submission).

Allele frequency attached by ClinVar (database versions not stated): TOPMed below 0.00001; gnomAD exomes 0.00001 and 0.00002.

Submission:

Labcorp Genetics (formerly Invitae), Labcorp
Classification: Uncertain significance. Last evaluated: 2020-02-22. Review status: criteria provided, single submitter. Criteria: Invitae Variant Classification Sherloc (09022015). Collection method: clinical testing. Allele origin: germline.
Comment: In summary, the available evidence is currently insufficient to determine the role of this variant in disease. Therefore, it has been classified as a Variant of Uncertain Significance. Algorithms developed to predict the effect of missense changes on protein structure and function output the following: SIFT: "Tolerated"; PolyPhen-2: "Not Available"; Align-GVGD: "Class C0". The serine amino acid residue is found in multiple mammalian species, suggesting that this missense change does not adversely affect protein function. These predictions have not been confirmed by published functional studies and their clinical significance is uncertain. This variant has not been reported in the literature in individuals with PDZD7-related conditions. The frequency data for this variant in the population databases is considered unreliable, as metrics indicate poor data quality at this position in the ExAC database. This sequence change replaces glycine with serine at codon 357 of the PDZD7 protein (p.Gly357Ser). The glycine residue is moderately conserved and there is a small physicochemical difference between glycine and serine.

NM_001195263.2(PDZD7):c.1069G>A (p.Gly357Ser)

Gene: PDZD7 (PDZ domain containing 7; minus strand). Cytogenetic location: 10q24.31.
Variant type: single nucleotide variant.
Coding change: c.1069G>A on transcript NM_001195263.2 (MANE Select); coding-DNA position 1069, G replaced by A.
Protein change: p.Gly357Ser; replaces glycine 357 with serine.
Molecular consequence: missense variant.
Genome position (GRCh38, 1-based): chr10:101,019,077, C>T on the plus strand (G>A on the coding strand, the complement: PDZD7 is on the minus strand). VCF-style: chr10-101019077-C-T. GRCh37 (hg19) VCF-style: chr10-102778834-C-T.
Other names: c.1069G>A, p.Gly357Ser (NM_001351044.2, NM_024895.5); short protein forms G357S.
Identifiers: ClinVar variation 1055643 (VCV001055643.7), dbSNP rs751055341, ClinGen allele CA5654173.
Genomic context (GRCh38, chr10:101,019,077, plus strand): 5'-CCGCATCGGGCTCCGTCTGCATGGCTGTGTCCGCCCGCCCCCAGCCTGGGCCGCGGCTGC[C>T]GGGCTCCTCCTGCCCGAGGCAGATGTCCATGCGGTCCGACGGCAGGGAGCCCGAGCTGTA-3'
Protein context (NP_001182192.1, residues 347-367): MDICLGQEEP[Gly357Ser]SRGPGWGRAD